The following is an entry in ClinVar:

NM_001351132.2(PEX5):c.1241C>T (p.Thr414Ile)

Gene: PEX5 (peroxisomal biogenesis factor 5; plus strand). Cytogenetic location: 12p13.31.
Variant type: single nucleotide variant.
Coding change: c.1241C>T on transcript NM_001351132.2 (MANE Select); coding-DNA position 1241, C replaced by T.
Protein change: p.Thr414Ile; replaces threonine 414 with isoleucine.
Molecular consequence: missense variant.
Genome position (GRCh38, 1-based): chr12:7,208,516, C>T. VCF-style: chr12-7208516-C-T. GRCh37 (hg19) VCF-style: chr12-7361112-C-T.
Other names: c.1217C>T, p.Thr406Ile (NM_000319.5); c.1286C>T, p.Thr429Ile (NM_001131023.2); c.1130C>T, p.Thr377Ile (NM_001131024.2, NM_001351124.3, NM_001351126.2 and 7 more transcripts); c.1241C>T, p.Thr414Ile (NM_001131025.2, NM_001131026.2, NM_001300789.3 and 4 more transcripts); c.1175C>T, p.Thr392Ile (NM_001351135.3, NM_001351138.2); c.1232C>T, p.Thr411Ile (NM_001351136.2); c.1106C>T, p.Thr369Ile (NM_001351139.2, NM_001351140.2, NM_001374649.2); short protein forms T406I, T429I, T377I, T369I, T392I, T411I, T414I.
Identifiers: ClinVar variation 1514499 (VCV001514499.3), dbSNP rs1458919607, ClinGen allele CA383732807.
Genomic context (GRCh38, chr12:7,208,516, plus strand): 5'-GGTGTCTGGAGCTAAAGCCAGATAACCAGACAGCACTGATGGCGCTGGCTGTGAGCTTCA[C>T]CAACGAGTCCCTGCAGCGACAGGCCTGTGAAACCCTACGAGACTGGCTGCGGTACACACC-3'
Protein context (NP_001338061.1, residues 404-424): TALMALAVSF[Thr414Ile]NESLQRQACE

ClinVar aggregate classification (germline): Uncertain significance (1 of 4 stars; one submission).

Conditions:
Peroxisome biogenesis disorder 2B (PBD2B). Identifiers: Orphanet 44, MedGen C3550234, MONDO:0008736, OMIM 202370.

Allele frequency attached by ClinVar (database versions not stated): TOPMed 0.00001.

Submission:

Labcorp Genetics (formerly Invitae), Labcorp
Classification: Uncertain significance for Peroxisome biogenesis disorder 2B. Last evaluated: 2022-03-09. Review status: criteria provided, single submitter. Criteria: Invitae Variant Classification Sherloc (09022015). Collection method: clinical testing. Allele origin: germline.
Comment: This sequence change replaces threonine, which is neutral and polar, with isoleucine, which is neutral and non-polar, at codon 414 of the PEX5 protein (p.Thr414Ile). This variant is not present in population databases (gnomAD no frequency). This variant has not been reported in the literature in individuals affected with PEX5-related conditions. Algorithms developed to predict the effect of missense changes on protein structure and function are either unavailable or do not agree on the potential impact of this missense change (SIFT: "Tolerated"; PolyPhen-2: "Probably Damaging"; Align-GVGD: "Class C0"). In summary, the available evidence is currently insufficient to determine the role of this variant in disease. Therefore, it has been classified as a Variant of Uncertain Significance.